The following is an entry in ClinVar:

ClinVar aggregate classification (germline): Pathogenic (1 of 4 stars; one submission).

Conditions:
Deafness-lymphedema-leukemia syndrome. Also called: Emberger syndrome; Lymphedema, primary, with myelodysplasia. Identifiers: Orphanet 3226, MedGen C3279664, MONDO:0013540, OMIM 614038.
GATA2 deficiency with susceptibility to MDS/AML. Identifiers: MedGen CN300066, MONDO:0042982.

Submission:

Molecular Pathology Research Laboratory, SA Pathology
Classification: Pathogenic for GATA2 deficiency with susceptibility to MDS/AML; Deafness-lymphedema-leukemia syndrome. Last evaluated: 2021-07-06. Review status: criteria provided, single submitter. Criteria: ACMG Guidelines, 2015. Collection method: curation. Allele origin: germline. Inheritance: Autosomal dominant inheritance. Affected: yes. Observed: 1 variant allele.
Comment: PS3, PS4_Supporting, PM1, PM2, PP3

Literature cited by the submitters: PubMed 24754962; PubMed 25676417.

NM_032638.5(GATA2):c.1073C>A (p.Thr358Asn)

Gene: GATA2 (GATA binding protein 2; minus strand). Cytogenetic location: 3q21.3.
Variant type: single nucleotide variant.
Coding change: c.1073C>A on transcript NM_032638.5 (MANE Select); coding-DNA position 1073, C replaced by A.
Protein change: p.Thr358Asn; replaces threonine 358 with asparagine.
Molecular consequence: missense variant.
Genome position (GRCh38, 1-based): chr3:128,481,889, G>T on the plus strand (C>A on the coding strand, the complement: GATA2 is on the minus strand). VCF-style: chr3-128481889-G-T. GRCh37 (hg19) VCF-style: chr3-128200732-G-T.
Other names: c.1073C>A, p.Thr358Asn (NM_001145661.2); c.1031C>A, p.Thr344Asn (NM_001145662.1); short protein forms T344N, T358N.
Identifiers: ClinVar variation 1184008 (VCV001184008.1), dbSNP rs148942346, ClinGen allele CA354413596.